The following is an entry in ClinVar:

NM_006506.5(RASA2):c.53C>T (p.Ala18Val)

Genes: RASA2 (RAS p21 protein activator 2; plus strand), LOC129937686 (ATAC-STARR-seq lymphoblastoid silent region 14777; plus strand). Cytogenetic location: 3q23.
Variant type: single nucleotide variant.
Coding change: c.53C>T on transcript NM_006506.5 (MANE Select); coding-DNA position 53, C replaced by T.
Protein change: p.Ala18Val; replaces alanine 18 with valine.
Molecular consequence: missense variant.
Genome position (GRCh38, 1-based): chr3:141,487,136, C>T. VCF-style: chr3-141487136-C-T. GRCh37 (hg19) VCF-style: chr3-141205978-C-T.
Other names: c.53C>T, p.Ala18Val (NM_001303245.3, NM_001303246.3); short protein forms A18V.
Identifiers: ClinVar variation 2958120 (VCV002958120.4), dbSNP rs774514124, ClinGen allele CA2645080.
Genomic context (GRCh38, chr3:141,487,136, plus strand): 5'-GCGGCACCATGGCGGCGGCGGCGCCTGCTGCTGCGGCGGCTTCTTCCGAGGCGCCAGCGG[C>T]GAGTGCGACTGCAGAGCCCGAGGCCGGGGACCAGGACAGTCGCGAGGTTCGAGTGTTGCA-3'
Protein context (NP_006497.2, residues 8-28): AAAASSEAPA[Ala18Val]SATAEPEAGD

ClinVar aggregate classification (germline): Uncertain significance. Review status: criteria provided, multiple submitters, no conflicts (2 of 4 stars). 2 submissions from 2 submitters: Uncertain significance (2). Last evaluated 2024-02-19.

Allele frequency attached by ClinVar (database versions not stated): gnomAD 0.00001; gnomAD exomes 0.00001; ExAC 0.00005.
gnomAD v4.1: 15 of 1,448,124 alleles (0.001%); highest among the groups gnomAD compares: African/African-American, 0.0029%; no homozygotes.

Submissions (2):

Women's Health and Genetics/Laboratory Corporation of America, LabCorp
Classification: Uncertain significance. Last evaluated: 2024-02-19. Review status: criteria provided, single submitter. Criteria: LabCorp Variant Classification Summary - May 2015. Collection method: clinical testing. Allele origin: germline.

Labcorp Genetics (formerly Invitae), Labcorp
Classification: Uncertain significance. Last evaluated: 2023-11-27. Review status: criteria provided, single submitter. Criteria: Invitae Variant Classification Sherloc (09022015). Collection method: clinical testing. Allele origin: germline.
Comment: This sequence change replaces alanine, which is neutral and non-polar, with valine, which is neutral and non-polar, at codon 18 of the RASA2 protein (p.Ala18Val). The frequency data for this variant in the population databases is considered unreliable, as metrics indicate poor data quality at this position in the gnomAD database. This variant has not been reported in the literature in individuals affected with RASA2-related conditions. Algorithms developed to predict the effect of missense changes on protein structure and function output the following: SIFT: "Not Available"; PolyPhen-2: "Not Available"; Align-GVGD: "Not Available". The valine amino acid residue is found in multiple mammalian species, which suggests that this missense change does not adversely affect protein function. Algorithms developed to predict the effect of sequence changes on RNA splicing suggest that this variant may create or strengthen a splice site. In summary, the available evidence is currently insufficient to determine the role of this variant in disease. Therefore, it has been classified as a Variant of Uncertain Significance.